The following is an entry in ClinVar:

NM_001273.5(CHD4):c.1893T>G (p.Ser631Arg)

Gene: CHD4 (chromodomain helicase DNA binding protein 4; minus strand). Cytogenetic location: 12p13.31.
Variant type: single nucleotide variant.
Coding change: c.1893T>G on transcript NM_001273.5 (MANE Select); coding-DNA position 1893, T replaced by G.
Protein change: p.Ser631Arg; replaces serine 631 with arginine.
Molecular consequence: missense variant.
Genome position (GRCh38, 1-based): chr12:6,596,137, A>C on the plus strand (T>G on the coding strand, the complement: CHD4 is on the minus strand). VCF-style: chr12-6596137-A-C. GRCh37 (hg19) VCF-style: chr12-6705303-A-C.
Other names: c.1872T>G, p.Ser624Arg (NM_001297553.2); c.1854T>G, p.Ser618Arg (NM_001363606.2); short protein forms S624R, S618R, S631R.
Identifiers: ClinVar variation 2748329 (VCV002748329.3), dbSNP rs1013429543, ClinGen allele CA383596585.

ClinVar aggregate classification (germline): Uncertain significance (1 of 4 stars; one submission).

Submission:

Labcorp Genetics (formerly Invitae), Labcorp
Classification: Uncertain significance. Last evaluated: 2023-07-29. Review status: criteria provided, single submitter. Criteria: Invitae Variant Classification Sherloc (09022015). Collection method: clinical testing. Allele origin: germline.
Comment: This variant has not been reported in the literature in individuals affected with CHD4-related conditions. This variant is not present in population databases (gnomAD no frequency). This sequence change replaces serine, which is neutral and polar, with arginine, which is basic and polar, at codon 631 of the CHD4 protein (p.Ser631Arg). In summary, the available evidence is currently insufficient to determine the role of this variant in disease. Therefore, it has been classified as a Variant of Uncertain Significance. An algorithm developed to predict the effect of missense changes on protein structure and function (PolyPhen-2) suggests that this variant is likely to be disruptive.